The following is an entry in ClinVar:

ClinVar aggregate classification (germline): Benign. Review status: criteria provided, multiple submitters, no conflicts (2 of 4 stars). 3 submissions from 3 submitters: Benign (2). 1 of the submissions does not count toward it. Last evaluated 2026-01-31.

Conditions:
NECTIN4-related disorder. Also called: NECTIN4-related condition.

Allele frequency attached by ClinVar (database versions not stated): 1000 Genomes Project 0.03854; gnomAD 0.07331 and 0.07556; ESP Exome Variant Server 0.07462; TOPMed 0.06692; ExAC 0.07814; gnomAD exomes 0.07630; 1000 Genomes Project 30x 0.03826.

Submissions (3):

Labcorp Genetics (formerly Invitae), Labcorp
Classification: Benign. Last evaluated: 2026-01-31. Review status: criteria provided, single submitter. Criteria: Invitae Variant Classification Sherloc (09022015). Collection method: clinical testing. Allele origin: germline.

Breakthrough Genomics
Classification: Benign. Review status: criteria provided, single submitter. Criteria: ACMG Guidelines, 2015. Collection method: not provided. Allele origin: germline. Inheritance: Autosomal recessive inheritance. Affected: yes.

PreventionGenetics, part of Exact Sciences
Classification: Benign for NECTIN4-related condition. Last evaluated: 2019-09-05. Review status: no assertion criteria provided. Collection method: clinical testing. Allele origin: germline. Not counted in ClinVar's aggregate classification.
Comment: This variant is classified as benign based on ACMG/AMP sequence variant interpretation guidelines (Richards et al. 2015 PMID: 25741868, with internal and published modifications).

NM_030916.3(NECTIN4):c.310C>A (p.Pro104Thr)

Gene: NECTIN4 (nectin cell adhesion molecule 4; minus strand). Cytogenetic location: 1q23.3.
Variant type: single nucleotide variant.
Coding change: c.310C>A on transcript NM_030916.3 (MANE Select); coding-DNA position 310, C replaced by A.
Protein change: p.Pro104Thr; replaces proline 104 with threonine.
Molecular consequence: missense variant.
Genome position (GRCh38, 1-based): chr1:161,079,719, G>T on the plus strand (C>A on the coding strand, the complement: NECTIN4 is on the minus strand). VCF-style: chr1-161079719-G-T. GRCh37 (hg19) VCF-style: chr1-161049509-G-T.
Other names: c.310C>A (NM_030916.2); short protein forms P104T.
Identifiers: ClinVar variation 1663617 (VCV001663617.11), dbSNP rs35434391, ClinGen allele CA1205118.